The following is an entry in ClinVar:

NM_030665.4(RAI1):c.533C>T (p.Pro178Leu)

Gene: RAI1 (retinoic acid induced 1; plus strand). Cytogenetic location: 17p11.2.
Variant type: single nucleotide variant.
Coding change: c.533C>T on transcript NM_030665.4 (MANE Select); coding-DNA position 533, C replaced by T.
Protein change: p.Pro178Leu; replaces proline 178 with leucine.
Molecular consequence: missense variant.
Genome position (GRCh38, 1-based): chr17:17,793,481, C>T. VCF-style: chr17-17793481-C-T. GRCh37 (hg19) VCF-style: chr17-17696795-C-T.
Other names: short protein forms P178L.
Identifiers: ClinVar variation 1406115 (VCV001406115.8), dbSNP rs764907726, ClinGen allele CA8418145.

ClinVar aggregate classification (germline): Uncertain significance (1 of 4 stars; one submission).

Allele frequency attached by ClinVar (database versions not stated): gnomAD exomes below 0.00001 and 0.00001; TOPMed below 0.00001; ExAC 0.00001; gnomAD 0.00001.
gnomAD v4.1: 12 of 1,613,768 alleles (0.00074%); highest among the groups gnomAD compares: South Asian, 0.0044%; no homozygotes.

Submission:

Labcorp Genetics (formerly Invitae), Labcorp
Classification: Uncertain significance. Last evaluated: 2024-05-15. Review status: criteria provided, single submitter. Criteria: Invitae Variant Classification Sherloc (09022015). Collection method: clinical testing. Allele origin: germline.
Comment: This sequence change replaces proline, which is neutral and non-polar, with leucine, which is neutral and non-polar, at codon 178 of the RAI1 protein (p.Pro178Leu). This variant is present in population databases (rs764907726, gnomAD 0.003%). This variant has not been reported in the literature in individuals affected with RAI1-related conditions. ClinVar contains an entry for this variant (Variation ID: 1406115). Advanced modeling of protein sequence and biophysical properties (such as structural, functional, and spatial information, amino acid conservation, physicochemical variation, residue mobility, and thermodynamic stability) performed at Invitae indicates that this missense variant is not expected to disrupt RAI1 protein function with a negative predictive value of 80%. In summary, the available evidence is currently insufficient to determine the role of this variant in disease. Therefore, it has been classified as a Variant of Uncertain Significance.